The following is an entry in ClinVar:

NM_012123.4(MTO1):c.258G>A (p.Lys86=)

Gene: MTO1 (mitochondrial tRNA translation optimization 1; plus strand). Cytogenetic location: 6q13.
Variant type: single nucleotide variant.
Coding change: c.258G>A on transcript NM_012123.4 (MANE Select); coding-DNA position 258, G replaced by A.
Protein change: p.Lys86=; no amino-acid change (lysine 86 retained).
Molecular consequence: synonymous variant.
Genome position (GRCh38, 1-based): chr6:73,466,249, G>A. VCF-style: chr6-73466249-G-A. GRCh37 (hg19) VCF-style: chr6-74175972-G-A.
Other names: c.258G>A, p.Lys86= (NM_001123226.2, NM_133645.3); c.258G>A (NM_012123.3).
Identifiers: ClinVar variation 1136932 (VCV001136932.12), dbSNP rs777174074, ClinGen allele CA3889301.

ClinVar aggregate classification (germline): Likely benign. Review status: criteria provided, multiple submitters, no conflicts (2 of 4 stars). 3 submissions from 3 submitters: Likely benign (2). 1 of the submissions does not count toward it. Last evaluated 2025-11-29.

Conditions:
MTO1-related disorder. Also called: MTO1-related condition.
Mitochondrial hypertrophic cardiomyopathy with lactic acidosis due to MTO1 deficiency. Also called: CARDIOMYOPATHY, INFANTILE HYPERTROPHIC MITOCHONDRIAL, AND LACTIC ACIDOSIS; Combined oxidative phosphorylation deficiency 10. Identifiers: Orphanet 314637, MedGen C4749921, MONDO:0013865, OMIM 614702.

Allele frequency attached by ClinVar (database versions not stated): ExAC 0.00002; gnomAD exomes 0.00002; gnomAD 0.00003; TOPMed 0.00003.
gnomAD v4.1: 35 of 1,613,962 alleles (0.0022%); highest among the groups gnomAD compares: Non-Finnish European, 0.0028%; no homozygotes.

Submissions (3):

Labcorp Genetics (formerly Invitae), Labcorp
Classification: Likely benign for Mitochondrial hypertrophic cardiomyopathy with lactic acidosis due to MTO1 deficiency. Last evaluated: 2025-11-29. Review status: criteria provided, single submitter. Criteria: Invitae Variant Classification Sherloc (09022015). Collection method: clinical testing. Allele origin: germline.

Blueprint Genetics
Classification: Likely benign. Last evaluated: 2023-12-27. Review status: criteria provided, single submitter. Criteria: ACMG Guidelines, 2015. Collection method: clinical testing. Allele origin: germline.

PreventionGenetics, part of Exact Sciences
Classification: Likely benign for MTO1-related condition. Last evaluated: 2019-09-11. Review status: no assertion criteria provided. Collection method: clinical testing. Allele origin: germline. Not counted in ClinVar's aggregate classification.
Comment: This variant is classified as likely benign based on ACMG/AMP sequence variant interpretation guidelines (Richards et al. 2015 PMID: 25741868, with internal and published modifications).